The following is an entry in ClinVar:

NM_022455.5(NSD1):c.7402C>T (p.Arg2468Trp)

Gene: NSD1 (nuclear receptor binding SET domain protein 1; plus strand). Cytogenetic location: 5q35.3.
Variant type: single nucleotide variant.
Coding change: c.7402C>T on transcript NM_022455.5 (MANE Select); coding-DNA position 7402, C replaced by T.
Protein change: p.Arg2468Trp; replaces arginine 2468 with tryptophan.
Molecular consequence: missense variant.
Genome position (GRCh38, 1-based): chr5:177,294,770, C>T. VCF-style: chr5-177294770-C-T. GRCh37 (hg19) VCF-style: chr5-176721771-C-T.
Other names: c.6529C>T, p.Arg2177Trp (NM_001365684.2, NM_001409308.1, NM_172349.5); c.7402C>T, p.Arg2468Trp (NM_001409301.1, NM_001409302.1, NM_001409303.1); c.6982C>T, p.Arg2328Trp (NM_001409304.1); c.6649C>T, p.Arg2217Trp (NM_001409305.1); c.6640C>T, p.Arg2214Trp (NM_001409306.1, NM_001409307.1); c.6280C>T, p.Arg2094Trp (NM_001409309.1); short protein forms R2468W, R2199W, R2214W, R2217W, R2094W, R2177W, R2328W.
Identifiers: ClinVar variation 588244 (VCV000588244.5), dbSNP rs767815479, ClinGen allele CA3578135.

ClinVar aggregate classification (germline): Uncertain significance (1 of 4 stars; one submission).

Conditions:
Inborn genetic diseases. Identifiers: MedGen C0950123, MeSH D030342.

Allele frequency attached by ClinVar (database versions not stated): ExAC 0.00001; gnomAD 0.00001; gnomAD exomes 0.00001; TOPMed 0.00001.
gnomAD v4.1: 11 of 1,613,750 alleles (0.00068%); highest among the groups gnomAD compares: African/African-American, 0.0013%; no homozygotes.

Submission:

Ambry Genetics
Classification: Uncertain significance for Inborn genetic diseases. Last evaluated: 2016-09-07. Review status: criteria provided, single submitter. Criteria: Ambry Variant Classification Scheme 2023. Collection method: clinical testing. Allele origin: germline.
Comment: The p.R2468W variant (also known as c.7402C>T), located in coding exon 22 of the NSD1 gene, results from a C to T substitution at nucleotide position 7402. The arginine at codon 2468 is replaced by tryptophan, an amino acid with dissimilar properties. This variant was not reported in population based cohorts in the following databases: Database of Single Nucleotide Polymorphisms (dbSNP), NHLBI Exome Sequencing Project (ESP), and 1000 Genomes Project. In the ESP, this variant was not observed in 6503 samples (13006 alleles) with coverage at this position. This amino acid position is well conserved in available vertebrate species. In addition, the in silico prediction for this alteration is inconclusive. Since supporting evidence is limited at this time, the clinical significance of this variant remains unclear.